The following is an entry in ClinVar:

ClinVar aggregate classification (germline): Likely benign. Review status: criteria provided, multiple submitters, no conflicts (2 of 4 stars). 4 submissions from 4 submitters: Likely benign (4). Last evaluated 2026-06-01.

Conditions:
Developmental and epileptic encephalopathy, 31A. Also called: Epileptic encephalopathy, early infantile, 31; Developmental and epileptic encephalopathy, 31. Identifiers: Orphanet 2382, MedGen C4225357, MONDO:0014598, OMIM 616346.

Allele frequency attached by ClinVar (database versions not stated): gnomAD exomes 0.00011; ExAC 0.00015; ESP Exome Variant Server 0.00031; gnomAD 0.00008 and 0.00007; TOPMed 0.00010.
gnomAD v4.1: 339 of 1,551,794 alleles (0.022%); highest among the groups gnomAD compares: Non-Finnish European, 0.028%; 1 homozygote.

Submissions (5):

CeGaT Center for Human Genetics Tuebingen
Classification: Likely benign. Last evaluated: 2026-06-01. Review status: criteria provided, single submitter. Criteria: CeGaT Center For Human Genetics Tuebingen Variant Classification Criteria Version 2. Collection method: clinical testing. Allele origin: germline. Affected: yes. Observed: 2 variant alleles.
Comment: DNM1: BP4, BP7

Labcorp Genetics (formerly Invitae), Labcorp
Classification: Likely benign for Developmental and epileptic encephalopathy, 31A. Last evaluated: 2025-12-03. Review status: criteria provided, single submitter. Criteria: Invitae Variant Classification Sherloc (09022015). Collection method: clinical testing. Allele origin: germline.

Blueprint Genetics
Classification: Likely benign. Last evaluated: 2024-04-08. Review status: criteria provided, single submitter. Criteria: ACMG Guidelines, 2015. Collection method: clinical testing. Allele origin: germline.

GeneDx
Classification: Likely benign. Last evaluated: 2019-08-23. Review status: criteria provided, single submitter. Criteria: GeneDx Variant Classification Process June 2021. Collection method: clinical testing. Allele origin: germline. Affected: yes.

Dr. Peter K. Rogan Lab, Western University
No classification provided (evidence only). Condition: Clear cell carcinoma of kidney. Review status: no classification provided. Collection method: in vitro. Allele origin: not applicable. Functional consequence: retained intron. Not counted in ClinVar's aggregate classification.

NM_004408.4(DNM1):c.117C>T (p.Gly39=)

Genes: CIZ1 (CDKN1A interacting zinc finger protein 1; minus strand), DNM1 (dynamin 1; plus strand). Cytogenetic location: 9q34.11.
Variant type: single nucleotide variant.
Coding change: c.117C>T on transcript NM_004408.4 (MANE Select); coding-DNA position 117, C replaced by T.
Protein change: p.Gly39=; no amino-acid change (glycine 39 retained).
Molecular consequence: synonymous variant. On other transcripts: intron variant (2).
Genome position (GRCh38, 1-based): chr9:128,203,587, C>T. VCF-style: chr9-128203587-C-T. GRCh37 (hg19) VCF-style: chr9-130965866-C-T.
Other names: c.117C>T, p.Gly39= (NM_001005336.3, NM_001288737.2, NM_001288738.2 and 2 more transcripts); c.-6+599G>A (NM_001131015.2, NM_012127.3).
Identifiers: ClinVar variation 391413 (VCV000391413.37), dbSNP rs142432944, ClinGen allele CA5257731.
Genomic context (GRCh38, chr9:128,203,587, plus strand): 5'-CTTCTCTGCCATCGGCCAGAACGCGGACCTCGACCTGCCGCAGATCGCTGTGGTGGGCGG[C>T]CAGAGCGCCGGCAAGAGCTCGGTGCTCGAGAATTTCGTAGGCAGGTAGGCGCGGCGCGCC-3'
Protein context (NP_004399.2, residues 29-49): LDLPQIAVVG[Gly39=]QSAGKSSVLE